The following is an entry in ClinVar:

NM_152513.4(MEI1):c.2937G>A (p.Val979=)

Gene: MEI1 (meiotic double-stranded break formation protein 1; plus strand). Cytogenetic location: 22q13.2.
Variant type: single nucleotide variant.
Coding change: c.2937G>A on transcript NM_152513.4 (MANE Select); coding-DNA position 2937, G replaced by A.
Protein change: p.Val979=; no amino-acid change (valine 979 retained).
Molecular consequence: synonymous variant.
Genome position (GRCh38, 1-based): chr22:41,781,695, G>A. VCF-style: chr22-41781695-G-A. GRCh37 (hg19) VCF-style: chr22-42177699-G-A.
Identifiers: ClinVar variation 4872965 (VCV004872965.2).
Genomic context (GRCh38, chr22:41,781,695, plus strand): 5'-TGAAGCTCCTCTGTAACTCCTGTGGGCCCTGCCTTGCCCACCCCCGACAGCTGCTGCAGT[G>A]CTCCTGAGCAGCACAGGCCTGATGGAGCTTCTGGAGAAGATGCTGGCCCTCACCTTGGCA-3'
Protein context (NP_689726.3, residues 969-989): TPSSQKRAAA[Val979=]LLSSTGLMEL

ClinVar aggregate classification (germline): Likely benign (1 of 4 stars; one submission).

gnomAD v4.1: 34 of 1,613,248 alleles (0.0021%); highest among the groups gnomAD compares: Non-Finnish European, 0.0028%; no homozygotes.

Submission:

CeGaT Center for Human Genetics Tuebingen
Classification: Likely benign. Last evaluated: 2026-04-01. Review status: criteria provided, single submitter. Criteria: CeGaT Center For Human Genetics Tuebingen Variant Classification Criteria Version 2. Collection method: clinical testing. Allele origin: germline. Affected: yes. Observed: 1 variant allele.
Comment: MEI1: BP4, BP7